The following is an entry in ClinVar:

ClinVar aggregate classification (germline): Uncertain significance (1 of 4 stars; one submission).

gnomAD v4.1: 6 of 1,613,972 alleles (0.00037%); highest among the groups gnomAD compares: Non-Finnish European, 0.00042%; no homozygotes.

Submission:

Labcorp Genetics (formerly Invitae), Labcorp
Classification: Uncertain significance. Last evaluated: 2025-04-10. Review status: criteria provided, single submitter. Criteria: Invitae Variant Classification Sherloc (09022015). Collection method: clinical testing. Allele origin: germline.
Comment: This sequence change replaces arginine, which is basic and polar, with serine, which is neutral and polar, at codon 1248 of the CEP152 protein (p.Arg1248Ser). This variant is present in population databases (rs376099036, gnomAD 0.0009%). This variant has not been reported in the literature in individuals affected with CEP152-related conditions. Invitae Evidence Modeling of protein sequence and biophysical properties (such as structural, functional, and spatial information, amino acid conservation, physicochemical variation, residue mobility, and thermodynamic stability) has been performed for this missense variant. However, the output from this modeling did not meet the statistical confidence thresholds required to predict the impact of this variant on CEP152 protein function. In summary, the available evidence is currently insufficient to determine the role of this variant in disease. Therefore, it has been classified as a Variant of Uncertain Significance.

NM_001194998.2(CEP152):c.3910C>A (p.Arg1304Ser)

Gene: CEP152 (centrosomal protein 152; minus strand). Cytogenetic location: 15q21.1.
Variant type: single nucleotide variant.
Coding change: c.3910C>A on transcript NM_001194998.2 (MANE Select); coding-DNA position 3910, C replaced by A.
Protein change: p.Arg1304Ser; replaces arginine 1304 with serine.
Molecular consequence: missense variant.
Genome position (GRCh38, 1-based): chr15:48,742,026, G>T on the plus strand (C>A on the coding strand, the complement: CEP152 is on the minus strand). VCF-style: chr15-48742026-G-T. GRCh37 (hg19) VCF-style: chr15-49034223-G-T.
Other names: c.3742C>A, p.Arg1248Ser (NM_014985.4); short protein forms R1248S, R1304S.
Identifiers: ClinVar variation 4699811 (VCV004699811.1).